The following is an entry in ClinVar:

NM_001165963.4(SCN1A):c.2229C>G (p.Asn743Lys)

Gene: SCN1A (sodium voltage-gated channel alpha subunit 1; minus strand). Cytogenetic location: 2q24.3.
Variant type: single nucleotide variant.
Coding change: c.2229C>G on transcript NM_001165963.4 (MANE Select); coding-DNA position 2229, C replaced by G.
Protein change: p.Asn743Lys; replaces asparagine 743 with lysine.
Molecular consequence: missense variant. On other transcripts: 5 prime UTR variant (1), non-coding transcript variant (1).
Genome position (GRCh38, 1-based): chr2:166,041,417, G>C on the plus strand (C>G on the coding strand, the complement: SCN1A is on the minus strand). VCF-style: chr2-166041417-G-C. GRCh37 (hg19) VCF-style: chr2-166897927-G-C.
Other names: c.2145C>G, p.Asn715Lys (NM_001165964.3, NM_001353957.2, NM_001353958.2); c.2229C>G, p.Asn743Lys (NM_001202435.3, NM_001353948.2); c.2196C>G, p.Asn732Lys (NM_001353949.2, NM_001353950.2, NM_001353951.2 and 2 more transcripts); c.2193C>G, p.Asn731Lys (NM_001353954.2, NM_001353955.2); c.2142C>G, p.Asn714Lys (NM_001353960.2); c.-230C>G (NM_001353961.2); short protein forms N732K, N743K, N731K, N714K, N715K.
Identifiers: ClinVar variation 392701 (VCV000392701.5), dbSNP rs745738437, ClinGen allele CA1943141.

ClinVar aggregate classification (germline): Uncertain significance. Review status: criteria provided, multiple submitters, no conflicts (2 of 4 stars). 2 submissions from 2 submitters: Uncertain significance (2). Last evaluated 2025-11-26.

Conditions:
Inborn genetic diseases. Identifiers: MedGen C0950123, MeSH D030342.

Allele frequency attached by ClinVar (database versions not stated): gnomAD exomes 0.00001; ExAC 0.00001.

Submissions (2):

Ambry Genetics
Classification: Uncertain significance for Inborn genetic diseases. Last evaluated: 2025-11-26. Review status: criteria provided, single submitter. Criteria: Ambry Variant Classification Scheme 2023. Collection method: clinical testing. Allele origin: germline.
Comment: The c.2229C>G (p.N743K) alteration is located in exon 13 (coding exon 13) of the SCN1A gene. This alteration results from a C to G substitution at nucleotide position 2229, causing the asparagine (N) at amino acid position 743 to be replaced by a lysine (K). Based on data from gnomAD, the G allele has an overall frequency of 0.001% (2/251190) total alleles studied. The highest observed frequency was 0.016% (1/6120) of Other alleles. Based on insufficient or conflicting evidence, the clinical significance of this alteration remains unclear.

GeneDx
Classification: Uncertain significance. Last evaluated: 2021-01-12. Review status: criteria provided, single submitter. Criteria: GeneDx Variant Classification Process June 2021. Collection method: clinical testing. Allele origin: germline. Affected: yes.
Comment: Not observed at a significant frequency in large population cohorts (Lek et al., 2016); Missense variants in this gene are often considered pathogenic (Stenson et al., 2014); In silico analysis supports that this missense variant has a deleterious effect on protein structure/function; Has not been previously published as pathogenic or benign to our knowledge; This substitution is predicted to be in the cytoplasmic loop between the first and second homologous domains